The following is an entry in ClinVar:

NM_002691.4(POLD1):c.970G>T (p.Gly324Cys)

Gene: POLD1 (DNA polymerase delta 1, catalytic subunit; plus strand). Cytogenetic location: 19q13.33.
Variant type: single nucleotide variant.
Coding change: c.970G>T on transcript NM_002691.4 (MANE Select); coding-DNA position 970, G replaced by T.
Protein change: p.Gly324Cys; replaces glycine 324 with cysteine.
Molecular consequence: missense variant. On other transcripts: non-coding transcript variant (1).
Genome position (GRCh38, 1-based): chr19:50,402,741, G>T. VCF-style: chr19-50402741-G-T. GRCh37 (hg19) VCF-style: chr19-50905998-G-T.
Other names: c.970G>T, p.Gly324Cys (NM_001256849.1, NM_001308632.1); short protein forms G324C.
Identifiers: ClinVar variation 469401 (VCV000469401.8), dbSNP rs1160832458, ClinGen allele CA406977494.

ClinVar aggregate classification (germline): Uncertain significance (1 of 4 stars; one submission).

Conditions:
POLD1-related polyposis and colorectal cancer syndrome (CRCS10). Also called: Colorectal cancer 10; COLORECTAL CANCER, SUSCEPTIBILITY TO, ON CHROMOSOME 19q; Colorectal cancer, susceptibility to, 10. Identifiers: Orphanet 220460, MedGen C2675481, MONDO:0012953, OMIM 612591.

Submission:

Labcorp Genetics (formerly Invitae), Labcorp
Classification: Uncertain significance for POLD1-related polyposis and colorectal cancer syndrome. Last evaluated: 2017-06-07. Review status: criteria provided, single submitter. Criteria: Invitae Variant Classification Sherloc (09022015). Collection method: clinical testing. Allele origin: germline.
Comment: This sequence change replaces glycine with cysteine at codon 324 of the POLD1 protein (p.Gly324Cys). The glycine residue is highly conserved and there is a large physicochemical difference between glycine and cysteine. This variant also falls at the last nucleotide of exon 8 of the POLD1 coding sequence, which is part of the consensus splice site for this exon. Nucleotide substitutions within the consensus splice site are relatively common causes of aberrant splicing (PMID: 17576681, 9536098). This variant is not present in population databases (ExAC no frequency). This variant has not been reported in the literature in individuals with a POLD1-related disease. Algorithms developed to predict the effect of missense changes on protein structure and function do not agree on the potential impact of this missense change (SIFT: "Deleterious"; PolyPhen-2: "Probably Damaging"; Align-GVGD: "Class C0"). Algorithms developed to predict the effect of sequence changes on RNA splicing suggest that this variant may disrupt the consensus splice site, but this prediction has not been confirmed by published transcriptional studies. In summary, this variant has uncertain impact on POLD1 function. The available evidence is currently insufficient to determine its role in disease. Therefore, it has been classified as a Variant of Uncertain Significance.

Literature cited by the submitters: PubMed 17576681; PubMed 9536098.